The following is an entry in ClinVar:

ClinVar aggregate classification (germline): Uncertain significance (1 of 4 stars; one submission).

Submission:

GeneDx
Classification: Uncertain significance. Last evaluated: 2024-11-11. Review status: criteria provided, single submitter. Criteria: GeneDx Variant Classification Process June 2021. Collection method: clinical testing. Allele origin: germline. Affected: yes.
Comment: Not observed at significant frequency in large population cohorts (gnomAD); Missense variants in this gene are a common cause of disease and they are underrepresented in the general population; In silico analysis supports that this missense variant has a deleterious effect on protein structure/function; Has not been previously published as pathogenic or benign to our knowledge

NM_002880.4(RAF1):c.272T>A (p.Leu91Gln)

Gene: RAF1 (Raf-1 proto-oncogene, serine/threonine kinase; minus strand). Cytogenetic location: 3p25.2.
Variant type: single nucleotide variant.
Coding change: c.272T>A on transcript NM_002880.4 (MANE Select); coding-DNA position 272, T replaced by A.
Protein change: p.Leu91Gln; replaces leucine 91 with glutamine.
Molecular consequence: missense variant. On other transcripts: non-coding transcript variant (3), intron variant (4).
Genome position (GRCh38, 1-based): chr3:12,611,998, A>T on the plus strand (T>A on the coding strand, the complement: RAF1 is on the minus strand). VCF-style: chr3-12611998-A-T. GRCh37 (hg19) VCF-style: chr3-12653497-A-T.
Other names: c.272T>A, p.Leu91Gln (NM_001354689.3, NM_001354690.3, NM_001354693.3); c.78-2663T>A (NM_001354695.3, NM_001354692.3, NM_001354694.3 and 1 more transcripts); short protein forms L91Q.
Identifiers: ClinVar variation 3899539 (VCV003899539.1).